The following is an entry in ClinVar:

NM_001083603.3(PTCH1):c.78G>A (p.Ala26=)

Gene: PTCH1 (patched 1; minus strand). Cytogenetic location: 9q22.32.
Variant type: single nucleotide variant.
Coding change: c.78G>A on transcript NM_001083603.3 (MANE Plus Clinical); coding-DNA position 78, G replaced by A.
Protein change: p.Ala26=; no amino-acid change (alanine 26 retained).
Molecular consequence: synonymous variant. On other transcripts: 5 prime UTR variant (2).
Genome position (GRCh38, 1-based): chr9:95,516,743, C>T on the plus strand (G>A on the coding strand, the complement: PTCH1 is on the minus strand). VCF-style: chr9-95516743-C-T. GRCh37 (hg19) VCF-style: chr9-98279025-C-T.
Other names: c.-272G>A (NM_001083602.3, NM_001354919.2).
Identifiers: ClinVar variation 4823654 (VCV004823654.4).

ClinVar aggregate classification (germline): Likely benign (1 of 4 stars; one submission).

gnomAD v4.1: 5 of 1,613,416 alleles (0.00031%); highest among the groups gnomAD compares: East Asian, 0.0022%; no homozygotes.

Submission:

CeGaT Center for Human Genetics Tuebingen
Classification: Likely benign. Last evaluated: 2026-03-01. Review status: criteria provided, single submitter. Criteria: CeGaT Center For Human Genetics Tuebingen Variant Classification Criteria Version 2. Collection method: clinical testing. Allele origin: germline. Affected: yes. Observed: 1 variant allele.
Comment: PTCH1: BP4, BP7